The following is an entry in ClinVar:

ClinVar aggregate classification (germline): Pathogenic/Likely pathogenic. Review status: criteria provided, multiple submitters, no conflicts (2 of 4 stars). 2 submissions from 2 submitters: Pathogenic (1); Likely pathogenic (1). Last evaluated 2025-07-30.

Conditions:
NIPBL-related disorder. Also called: NIPBL-related condition.
Cornelia de Lange syndrome 1 (CDLS1). Also called: NIPBL-Related Cornelia de Lange Syndrome; Brachmann de Lange syndrome; TYPUS DEGENERATIVUS AMSTELODAMENSIS. Identifiers: Orphanet 199, MedGen C4551851, MONDO:0007387, OMIM 122470.

Submissions (2):

PreventionGenetics, part of Exact Sciences
Classification: Likely pathogenic for NIPBL-related condition. Last evaluated: 2025-07-30. Review status: criteria provided, single submitter. Criteria: ACMG Guidelines, 2015. Collection method: clinical testing. Allele origin: germline.
Comment: The NIPBL c.5739_5740delCT variant is predicted to result in a frameshift and premature protein termination (p.Trp1914Valfs*8). To our knowledge, this variant has not been reported in the literature or a large population database (gnomAD), indicating this variant is rare. Frameshift variants in NIPBL are expected to be pathogenic. This variant is interpreted as likely pathogenic.

Genetic Services Laboratory, University of Chicago
Classification: Pathogenic for Cornelia de Lange syndrome 1. Last evaluated: 2014-06-24. Review status: criteria provided, single submitter. Criteria: ACMG Guidelines, 2015. Collection method: clinical testing. Allele origin: germline. Affected: yes.

NM_133433.4(NIPBL):c.5739_5740del (p.Trp1914fs)

Gene: NIPBL (NIPBL cohesin loading factor; plus strand). Cytogenetic location: 5p13.2.
Variant type: Microsatellite.
Coding change: c.5739_5740del on transcript NM_133433.4 (MANE Select); coding-DNA positions 5739 to 5740, 2 bases deleted (CT; older notation c.5739_5740delCT).
Protein change: p.Trp1914fs; shifts the reading frame from tryptophan 1914.
Molecular consequence: frameshift variant.
Genome position (GRCh38, 1-based): chr5:37,026,258-37,026,259, CT deleted; deleting any 2 consecutive bases within chr5:37,026,256-37,026,259 gives the same sequence; the c. name uses the placement nearest the transcript's 3' end. VCF-style (leftmost placement, unchanged base first): chr5-37026255-ACT-A. GRCh37 (hg19) VCF-style: chr5-37026357-ACT-A.
Other names: c.5739_5740del, p.Trp1914fs (NM_015384.5); c.5739_5740delCT (NM_133433.3); short protein forms W1914fs.
Identifiers: ClinVar variation 211649 (VCV000211649.7), dbSNP rs797045773, ClinGen allele CA277363.
Genomic context (GRCh38, chr5:37,026,255, plus strand): 5'-TAATTAGTTAATTTGAAATTTCTCTTCCTTCTAGAAATTAGTAAATGAAACATTCCAGAA[ACT>A]CTGGTTTACTCCAACTCCACACAATGACAAAGAAGCAATGACAAGGAAAATTTTAAACAT-3'